The following is an entry in ClinVar:

NM_006269.2(RP1):c.984C>T (p.Asp328=)

Gene: RP1 (RP1 axonemal microtubule associated; plus strand). Cytogenetic location: 8q12.1.
Variant type: single nucleotide variant.
Coding change: c.984C>T on transcript NM_006269.2 (MANE Select); coding-DNA position 984, C replaced by T.
Protein change: p.Asp328=; no amino-acid change (aspartic acid 328 retained).
Molecular consequence: synonymous variant. On other transcripts: intron variant (1).
Genome position (GRCh38, 1-based): chr8:54,624,866, C>T. VCF-style: chr8-54624866-C-T. GRCh37 (hg19) VCF-style: chr8-55537426-C-T.
Other names: c.787+2578C>T (NM_001375654.1).
Identifiers: ClinVar variation 792830 (VCV000792830.10), dbSNP rs776574526, ClinGen allele CA4751301.

ClinVar aggregate classification (germline): Likely benign. Review status: criteria provided, multiple submitters, no conflicts (2 of 4 stars). 3 submissions from 3 submitters: Likely benign (3). Last evaluated 2025-12-17.

Conditions:
RP1-related disorder. Also called: RP1-related condition.

Allele frequency attached by ClinVar (database versions not stated): gnomAD exomes 0.00001 and 0.00002; ExAC 0.00002; TOPMed 0.00005; gnomAD 0.00007.
gnomAD v4.1: 30 of 1,613,288 alleles (0.0019%); highest among the groups gnomAD compares: Admixed American, 0.017%; no homozygotes.

Submissions (3):

Labcorp Genetics (formerly Invitae), Labcorp
Classification: Likely benign. Last evaluated: 2025-12-17. Review status: criteria provided, single submitter. Criteria: Invitae Variant Classification Sherloc (09022015). Collection method: clinical testing. Allele origin: germline.

PreventionGenetics, part of Exact Sciences
Classification: Likely benign for RP1-related condition. Last evaluated: 2025-05-06. Review status: criteria provided, single submitter. Criteria: ACMG Guidelines, 2015. Collection method: clinical testing. Allele origin: germline.
Comment: This variant is classified as likely benign based on ACMG/AMP sequence variant interpretation guidelines (Richards et al. 2015 PMID: 25741868, with internal and published modifications).

Blueprint Genetics
Classification: Likely benign. Last evaluated: 2023-09-20. Review status: criteria provided, single submitter. Criteria: ACMG Guidelines, 2015. Collection method: clinical testing. Allele origin: germline.